The following is an entry in ClinVar:

ClinVar aggregate classification (germline): Conflicting classifications of pathogenicity. Review status: criteria provided, conflicting classifications (1 of 4 stars). 20 submissions from 20 submitters: Uncertain significance (2); Benign (3); Likely benign (11). 4 of the submissions do not count toward it. Last evaluated 2026-06-01.

Conditions:
AXIN2-related disorder.
Colorectal cancer. Also called: Malignant Colorectal Neoplasm; Colorectal cancer, somatic. Identifiers: MedGen C0346629, MONDO:0005575, OMIM 114500.
Oligodontia. Identifiers: MedGen C4082304, HP:0000677.
Hereditary cancer-predisposing syndrome. Also called: Tumor predisposition; Hereditary neoplastic syndrome; Neoplastic Syndromes, Hereditary; Hereditary Cancer Syndrome. Identifiers: Orphanet 140162, MedGen C0027672, MeSH D009386, MONDO:0015356.
Oligodontia-cancer predisposition syndrome. Also called: TOOTH AGENESIS-COLORECTAL CANCER SYNDROME. Identifiers: Orphanet 300576, MedGen C1837750, MONDO:0012075, OMIM 608615. Disease mechanism: loss of function.

Allele frequency attached by ClinVar (database versions not stated): 1000 Genomes Project 0.00020; 1000 Genomes Project 30x 0.00031; gnomAD 0.00175 and 0.00179; TOPMed 0.00176; gnomAD exomes 0.00192 and 0.00273; ExAC 0.00240; ESP Exome Variant Server 0.00284.
gnomAD v4.1: 4,204 of 1,614,216 alleles (0.26%); highest among the groups gnomAD compares: Non-Finnish European, 0.33%; 9 homozygotes.

Submissions (20):

CeGaT Center for Human Genetics Tuebingen
Classification: Likely benign. Last evaluated: 2026-06-01. Review status: criteria provided, single submitter. Criteria: CeGaT Center For Human Genetics Tuebingen Variant Classification Criteria Version 2. Collection method: clinical testing. Allele origin: germline. Affected: yes. Observed: 17 variant alleles.
Comment: AXIN2: BP4, BS1

Dasa
Classification: Likely benign. Last evaluated: 2026-03-17. Review status: criteria provided, single submitter. Criteria: DASA Assertion Criteria. Collection method: clinical testing. Allele origin: germline.
Comment: NM_004655.4(AXIN2):c.2272G>A (p.Ala758Thr) is a missense variant that results in the substitution of alanine with threonine. Population frequency is inconsistent with a disease-causing role for this variant, and observations in unaffected individuals support a benign interpretation. Computational prediction algorithms are consistent with a benign effect. Therefore, based on the currently available evidence, this variant is classified as likely benign.

Labcorp Genetics (formerly Invitae), Labcorp
Classification: Benign for Oligodontia-cancer predisposition syndrome. Last evaluated: 2026-02-04. Review status: criteria provided, single submitter. Criteria: Invitae Variant Classification Sherloc (09022015). Collection method: clinical testing. Allele origin: germline.

Center for Genomic Medicine, Rigshospitalet, Copenhagen University Hospital
Classification: Likely benign. Last evaluated: 2025-03-04. Review status: criteria provided, single submitter. Criteria: ACMG Guidelines, 2015. Collection method: clinical testing. Allele origin: germline.

Myriad Genetics, Inc.
Classification: Likely benign for Oligodontia-cancer predisposition syndrome. Last evaluated: 2025-01-16. Review status: criteria provided, single submitter. Criteria: Myriad Autosomal Dominant, Autosomal Recessive and X-Linked Classification Criteria (2023). Collection method: clinical testing. Allele origin: unknown.
Comment: This variant is considered likely benign. This variant has been observed at a population frequency that is significantly greater than expected given the associated disease prevalence and penetrance.

Ambry Genetics
Classification: Likely benign for Hereditary cancer-predisposing syndrome. Last evaluated: 2024-12-02. Review status: criteria provided, single submitter. Criteria: Ambry Variant Classification Scheme 2023. Collection method: clinical testing. Allele origin: germline.

Blueprint Genetics
Classification: Likely benign. Last evaluated: 2024-11-25. Review status: criteria provided, single submitter. Criteria: ACMG Guidelines, 2015. Collection method: clinical testing. Allele origin: germline.

ARUP Laboratories, Molecular Genetics and Genomics, ARUP Laboratories
Classification: Likely benign. Last evaluated: 2024-03-25. Review status: criteria provided, single submitter. Criteria: ARUP Molecular Germline Variant Investigation Process 2024. Collection method: clinical testing. Allele origin: germline.

Institute for Clinical Genetics, University Hospital TU Dresden, University Hospital TU Dresden
Classification: Uncertain significance. Last evaluated: 2021-11-03. Review status: criteria provided, single submitter. Criteria: ACMG Guidelines, 2015. Collection method: clinical testing. Allele origin: germline.

Quest Diagnostics Nichols Institute San Juan Capistrano
Classification: Benign. Last evaluated: 2021-10-22. Review status: criteria provided, single submitter. Criteria: Quest Diagnostics criteria. Collection method: clinical testing. Allele origin: unknown.

Sema4
Classification: Likely benign for Hereditary cancer-predisposing syndrome. Last evaluated: 2021-07-30. Review status: criteria provided, single submitter. Criteria: Sema4 Curation Guidelines. Collection method: curation. Allele origin: germline.

Genetic Services Laboratory, University of Chicago
Classification: Benign. Last evaluated: 2021-06-15. Review status: criteria provided, single submitter. Criteria: ACMG Guidelines, 2015. Collection method: clinical testing. Allele origin: germline. Affected: no.

GeneDx
Classification: Likely benign. Last evaluated: 2021-03-01. Review status: criteria provided, single submitter. Criteria: GeneDx Variant Classification Process June 2021. Collection method: clinical testing. Allele origin: germline. Affected: yes.
Comment: This variant is associated with the following publications: (PMID: 26406231, 21626677, 24581859, 25186949, 27090353, 25801821, 27365112, 29371908, 29772684)

Illumina Laboratory Services, Illumina
Classification: Likely benign for Oligodontia-cancer predisposition syndrome. Last evaluated: 2017-04-27. Review status: criteria provided, single submitter. Criteria: ICSL Variant Classification Criteria 13 December 2019. Collection method: clinical testing. Allele origin: germline.
Comment: This variant was observed as part of a predisposition screen in an ostensibly healthy population. A literature search was performed for the gene, cDNA change, and amino acid change (where applicable). No publications were found based on this search. Allele frequency data from public databases allowed determination this variant is unlikely to cause disease. Therefore, this variant is classified as likely benign.

Women's Health and Genetics/Laboratory Corporation of America, LabCorp
Classification: Likely benign. Last evaluated: 2016-08-17. Review status: criteria provided, single submitter. Criteria: LabCorp Variant Classification Summary - May 2015. Collection method: clinical testing. Allele origin: germline.
Comment: Variant summary: The AXIN2 c.2272G>A (p.Ala758Thr) variant causes a missense change involving a non-conserved nucleotide with 3/4 in silico tools (SNPs&GO not captured due to low reliability index) predicting a benign outcome, although these predictions have yet to be functionally assessed. The variant of interest was observed in the large, broad control population, ExAC, with an allele frequency of 291/121600 (1/417), which exceeds the estimated maximal expected allele frequency for a pathogenic AXIN2 variant of 1/7037, suggesting this variant is likely a benign polymorphism. However, tooth agenesis has been implicated as a precursor for cancer, although this cannot be established for the current variant due to limited available information. Multiple clinical laboratories cite the variant with conflicting classifications "uncertain significance" or "likely benign." Therefore, until additional information becomes available the variant of interest has been classified as Likely Benign.

Vantari Genetics
Classification: Uncertain significance for Hereditary cancer-predisposing syndrome. Last evaluated: 2016-02-04. Review status: criteria provided, single submitter. Criteria: ACMG Guidelines, 2015. Collection method: clinical testing. Allele origin: germline.

PreventionGenetics, part of Exact Sciences
Classification: Likely benign for AXIN2-related condition. Last evaluated: 2019-10-25. Review status: no assertion criteria provided. Collection method: clinical testing. Allele origin: germline. Not counted in ClinVar's aggregate classification.
Comment: This variant is classified as likely benign based on ACMG/AMP sequence variant interpretation guidelines (Richards et al. 2015 PMID: 25741868, with internal and published modifications).

CSER _CC_NCGL, University of Washington
Classification: Likely benign for Colorectal cancer; oligodontia. Last evaluated: 2016-08-01. Review status: no assertion criteria provided. Collection method: research. Allele origin: germline. Inheritance: Autosomal dominant inheritance. Study: CSER - NEXT Medicine variant annotation. Not counted in ClinVar's aggregate classification.

Clinical Genetics DNA and cytogenetics Diagnostics Lab, Erasmus MC, Erasmus Medical Center
Classification: Likely benign. Review status: no assertion criteria provided. Collection method: clinical testing. Allele origin: germline. Affected: yes. Study: VKGL Data-share Consensus. Not counted in ClinVar's aggregate classification.

Mayo Clinic Laboratories, Mayo Clinic
Classification: Uncertain significance. Review status: no assertion criteria provided. Collection method: clinical testing. Allele origin: unknown. Not counted in ClinVar's aggregate classification.

Literature cited by the submitters: PubMed 21626677 (cited by 4 submitters); PubMed 29371908 (cited by Ambry Genetics and Quest Diagnostics Nichols Institute San Juan Capistrano).

NM_004655.4(AXIN2):c.2272G>A (p.Ala758Thr)

Gene: AXIN2 (axin 2; minus strand). Cytogenetic location: 17q24.1.
Variant type: single nucleotide variant.
Coding change: c.2272G>A on transcript NM_004655.4 (MANE Select); coding-DNA position 2272, G replaced by A.
Protein change: p.Ala758Thr; replaces alanine 758 with threonine.
Molecular consequence: missense variant.
Genome position (GRCh38, 1-based): chr17:65,534,045, C>T on the plus strand (G>A on the coding strand, the complement: AXIN2 is on the minus strand). VCF-style: chr17-65534045-C-T. GRCh37 (hg19) VCF-style: chr17-63530163-C-T.
Other names: p.A758T:GCG>ACG; c.2077G>A, p.Ala693Thr (NM_001363813.1); c.2272G>A (LRG_296t1); short protein forms A758T, A693T.
Identifiers: ClinVar variation 127943 (VCV000127943.82), dbSNP rs145007501, ClinGen allele CA288104.